The following is an entry in ClinVar:

NM_001372.4(DNAH9):c.986C>T (p.Pro329Leu)

Gene: DNAH9 (dynein axonemal heavy chain 9; plus strand). Cytogenetic location: 17p12.
Variant type: single nucleotide variant.
Coding change: c.986C>T on transcript NM_001372.4 (MANE Select); coding-DNA position 986, C replaced by T.
Protein change: p.Pro329Leu; replaces proline 329 with leucine.
Molecular consequence: missense variant.
Genome position (GRCh38, 1-based): chr17:11,617,492, C>T. VCF-style: chr17-11617492-C-T. GRCh37 (hg19) VCF-style: chr17-11520809-C-T.
Other names: short protein forms P329L.
Identifiers: ClinVar variation 2713728 (VCV002713728.2), dbSNP rs368237169, ClinGen allele CA8394726.

ClinVar aggregate classification (germline): Uncertain significance (1 of 4 stars; one submission).

Allele frequency attached by ClinVar (database versions not stated): gnomAD exomes 0.00001; ExAC 0.00002; gnomAD 0.00003; TOPMed 0.00003.
gnomAD v4.1: 43 of 1,614,004 alleles (0.0027%); highest among the groups gnomAD compares: East Asian, 0.0067%; no homozygotes.

Submission:

Labcorp Genetics (formerly Invitae), Labcorp
Classification: Uncertain significance. Last evaluated: 2025-01-23. Review status: criteria provided, single submitter. Criteria: Invitae Variant Classification Sherloc (09022015). Collection method: clinical testing. Allele origin: germline.
Comment: This sequence change replaces proline, which is neutral and non-polar, with leucine, which is neutral and non-polar, at codon 329 of the DNAH9 protein (p.Pro329Leu). This variant is present in population databases (rs368237169, gnomAD 0.03%). This variant has not been reported in the literature in individuals affected with DNAH9-related conditions. ClinVar contains an entry for this variant (Variation ID: 2713728). An algorithm developed to predict the effect of missense changes on protein structure and function (PolyPhen-2) suggests that this variant¬¨‚Ä†is likely to be tolerated. In summary, the available evidence is currently insufficient to determine the role of this variant in disease. Therefore, it has been classified as a Variant of Uncertain Significance.